The following is an entry in ClinVar:

NM_144670.6(A2ML1):c.2866G>A (p.Ala956Thr)

Gene: A2ML1 (alpha-2-macroglobulin like 1; plus strand). Cytogenetic location: 12p13.31.
Variant type: single nucleotide variant.
Coding change: c.2866G>A on transcript NM_144670.6 (MANE Select); coding-DNA position 2866, G replaced by A.
Protein change: p.Ala956Thr; replaces alanine 956 with threonine.
Molecular consequence: missense variant.
Genome position (GRCh38, 1-based): chr12:8,857,181, G>A. VCF-style: chr12-8857181-G-A. GRCh37 (hg19) VCF-style: chr12-9009777-G-A.
Other names: c.1393G>A, p.Ala465Thr (NM_001282424.3); short protein forms A956T, A465T.
Identifiers: ClinVar variation 2313519 (VCV002313519.5), dbSNP rs1234610911, ClinGen allele CA383836098.

ClinVar aggregate classification (germline): Uncertain significance. Review status: criteria provided, multiple submitters, no conflicts (2 of 4 stars). 2 submissions from 2 submitters: Uncertain significance (2). Last evaluated 2024-01-11.

Allele frequency attached by ClinVar (database versions not stated): gnomAD exomes below 0.00001; gnomAD 0.00001; TOPMed 0.00002.
gnomAD v4.1: 3 of 1,612,294 alleles (0.00019%); highest among the groups gnomAD compares: African/African-American, 0.004%; no homozygotes.

Submissions (2):

Ambry Genetics
Classification: Uncertain significance. Last evaluated: 2024-01-11. Review status: criteria provided, single submitter. Criteria: Ambry Variant Classification Scheme 2023. Collection method: clinical testing. Allele origin: germline.
Comment: The p.A956T variant (also known as c.2866G>A), located in coding exon 24 of the A2ML1 gene, results from a G to A substitution at nucleotide position 2866. The alanine at codon 956 is replaced by threonine, an amino acid with similar properties. This amino acid position is conserved. In addition, this alteration is predicted to be tolerated by in silico analysis. Since supporting evidence is limited at this time, the clinical significance of this alteration remains unclear.

Labcorp Genetics (formerly Invitae), Labcorp
Classification: Uncertain significance. Last evaluated: 2023-08-23. Review status: criteria provided, single submitter. Criteria: Invitae Variant Classification Sherloc (09022015). Collection method: clinical testing. Allele origin: germline.
Comment: In summary, the available evidence is currently insufficient to determine the role of this variant in disease. Therefore, it has been classified as a Variant of Uncertain Significance. An algorithm developed to predict the effect of missense changes on protein structure and function (PolyPhen-2) suggests that this variant is likely to be disruptive. ClinVar contains an entry for this variant (Variation ID: 2313519). This variant has not been reported in the literature in individuals affected with A2ML1-related conditions. This variant is present in population databases (no rsID available, gnomAD 0.01%). This sequence change replaces alanine, which is neutral and non-polar, with threonine, which is neutral and polar, at codon 956 of the A2ML1 protein (p.Ala956Thr).